The following is an entry in ClinVar:

NM_000159.4(GCDH):c.209C>A (p.Thr70Asn)

Genes: GCDH (glutaryl-CoA dehydrogenase; plus strand), LOC117125594 (CRISPRi-FlowFISH-validated KLF1 regulatory element; plus strand). Cytogenetic location: 19p13.13.
Variant type: single nucleotide variant.
Coding change: c.209C>A on transcript NM_000159.4 (MANE Select); coding-DNA position 209, C replaced by A.
Protein change: p.Thr70Asn; replaces threonine 70 with asparagine.
Molecular consequence: missense variant. On other transcripts: non-coding transcript variant (2).
Genome position (GRCh38, 1-based): chr19:12,891,912, C>A. VCF-style: chr19-12891912-C-A. GRCh37 (hg19) VCF-style: chr19-13002726-C-A.
Other names: c.209C>A, p.Thr70Asn (NM_013976.5); c.209C>A (NM_000159.2); short protein forms T70N.
Identifiers: ClinVar variation 763000 (VCV000763000.25), dbSNP rs770537412, ClinGen allele CA9234274.
Genomic context (GRCh38, chr19:12,891,912, plus strand): 5'-GGCAGGACCCGCTGGTGCTGGAGGAGCAGCTGACCACAGATGAGATCCTCATCAGGGACA[C>A]CTTCCGCACCTACTGCCAGGAGAGACTCATGCCTCGCATCCTGTTGGCCAATCGCAACGA-3'
Protein context (NP_000150.1, residues 60-80): LTTDEILIRD[Thr70Asn]FRTYCQERLM

ClinVar aggregate classification (germline): Conflicting classifications of pathogenicity. Review status: criteria provided, conflicting classifications (1 of 4 stars). 3 submissions from 3 submitters: Uncertain significance (1); Likely benign (2). Last evaluated 2026-01-11.

Conditions:
Glutaric aciduria, type 1. Also called: Glutaricacidemia Type 1; Glutaricaciduria, type I; Glutaric Acidemia Type 1; GA I; Glutaric acidemia type I; Glutaryl-CoA dehydrogenase deficiency. Identifiers: Orphanet 25, MedGen C0268595, MONDO:0009281, OMIM 231670.

Allele frequency attached by ClinVar (database versions not stated): gnomAD 0.00001 and 0.00003; TOPMed 0.00001; gnomAD exomes 0.00006; ExAC 0.00010.
gnomAD v4.1: 63 of 1,614,190 alleles (0.0039%); highest among the groups gnomAD compares: South Asian, 0.053%; 1 homozygote.

Submissions (3):

Labcorp Genetics (formerly Invitae), Labcorp
Classification: Likely benign for Glutaric aciduria, type 1. Last evaluated: 2026-01-11. Review status: criteria provided, single submitter. Criteria: Invitae Variant Classification Sherloc (09022015). Collection method: clinical testing. Allele origin: germline.

CeGaT Center for Human Genetics Tuebingen
Classification: Likely benign. Last evaluated: 2025-01-01. Review status: criteria provided, single submitter. Criteria: CeGaT Center For Human Genetics Tuebingen Variant Classification Criteria Version 2. Collection method: clinical testing. Allele origin: germline. Affected: yes. Observed: 2 variant alleles.
Comment: GCDH: BS2

GeneDx
Classification: Uncertain significance. Last evaluated: 2022-12-07. Review status: criteria provided, single submitter. Criteria: GeneDx Variant Classification Process June 2021. Collection method: clinical testing. Allele origin: germline. Affected: yes.
Comment: In silico analysis supports that this missense variant does not alter protein structure/function; Has not been previously published as pathogenic or benign to our knowledge